The following is an entry in ClinVar:

NM_001009944.3(PKD1):c.8C>G (p.Pro3Arg)

Gene: PKD1 (polycystin 1, transient receptor potential channel interacting; minus strand). Cytogenetic location: 16p13.3.
Variant type: single nucleotide variant.
Coding change: c.8C>G on transcript NM_001009944.3 (MANE Select); coding-DNA position 8, C replaced by G.
Protein change: p.Pro3Arg; replaces proline 3 with arginine.
Molecular consequence: missense variant.
Genome position (GRCh38, 1-based): chr16:2,135,682, G>C on the plus strand (C>G on the coding strand, the complement: PKD1 is on the minus strand). VCF-style: chr16-2135682-G-C. GRCh37 (hg19) VCF-style: chr16-2185683-G-C.
Other names: c.8C>G, p.Pro3Arg (NM_000296.4); short protein forms P3R.
Identifiers: ClinVar variation 3780324 (VCV003780324.2).

ClinVar aggregate classification (germline): Uncertain significance. Review status: criteria provided, multiple submitters, no conflicts (2 of 4 stars). 2 submissions from 2 submitters: Uncertain significance (2). Last evaluated 2026-09-12.

Conditions:
Polycystic kidney disease, adult type (PKD1). Also called: Polycystic Kidney Disease 1, Autosomal Dominant; Polycystic kidney disease 1; Polycystic kidney disease 1, severe; POLYCYSTIC KIDNEY DISEASE 1 WITH OR WITHOUT POLYCYSTIC LIVER DISEASE; Polycystic Kidney, Autosomal Dominant; POLYCYSTIC KIDNEY DISEASE, ADULT, TYPE I. Identifiers: MedGen C3149841, MONDO:0008263, OMIM 173900.
PKD1-related disorder. Also called: PKD1-related condition.

gnomAD v4.1: 134 of 790,816 alleles (0.017%); highest among the groups gnomAD compares: Admixed American, 0.22%; no homozygotes.

Submissions (2):

PreventionGenetics, part of Exact Sciences
Classification: Uncertain significance for PKD1-related condition. Last evaluated: 2026-09-12. Review status: criteria provided, single submitter. Criteria: ACMG Guidelines, 2015. Collection method: clinical testing. Allele origin: germline.
Comment: The PKD1 c.8C>G variant is predicted to result in the amino acid substitution p.Pro3Arg. To our knowledge, this variant has not been reported in the literature. This variant is reported in 0.48% of alleles in individuals of Ashkenazi Jewish descent in gnomAD. However, exon 1 of the PKD1 gene, where this variant is located, has a low coverage in next-generation sequencing (NGS) universally likely due to high GC content and in the gnomAD database only has limited individuals with a reliable coverage in this exon. Therefore, the allele frequency data should be interpreted with caution. At this time, the clinical significance of this variant is uncertain due to the absence of conclusive functional and genetic evidence.

Department of Pathology and Laboratory Medicine, Sinai Health System
Classification: Uncertain significance for Polycystic kidney disease, adult type. Last evaluated: 2019-12-18. Review status: criteria provided, single submitter. Criteria: ACMG Guidelines, 2015. Collection method: clinical testing. Allele origin: germline. Affected: yes.